The following is an entry in ClinVar:

NM_006766.5(KAT6A):c.2045C>T (p.Pro682Leu)

Gene: KAT6A (lysine acetyltransferase 6A; minus strand). Cytogenetic location: 8p11.21.
Variant type: single nucleotide variant.
Coding change: c.2045C>T on transcript NM_006766.5 (MANE Select); coding-DNA position 2045, C replaced by T.
Protein change: p.Pro682Leu; replaces proline 682 with leucine.
Molecular consequence: missense variant.
Genome position (GRCh38, 1-based): chr8:41,943,931, G>A on the plus strand (C>T on the coding strand, the complement: KAT6A is on the minus strand). VCF-style: chr8-41943931-G-A. GRCh37 (hg19) VCF-style: chr8-41801449-G-A.
Other names: c.2045C>T, p.Pro682Leu (NM_001305878.2); short protein forms P682L.
Identifiers: ClinVar variation 3369155 (VCV003369155.2).

ClinVar aggregate classification (germline): Uncertain significance. Review status: criteria provided, multiple submitters, no conflicts (2 of 4 stars). 2 submissions from 2 submitters: Uncertain significance (2). Last evaluated 2024-06-12.

Submissions (2):

Blueprint Genetics
Classification: Uncertain significance. Last evaluated: 2024-06-12. Review status: criteria provided, single submitter. Criteria: ACMG Guidelines, 2015. Collection method: clinical testing. Allele origin: germline.

GeneDx
Classification: Uncertain significance. Last evaluated: 2024-02-14. Review status: criteria provided, single submitter. Criteria: GeneDx Variant Classification Process June 2021. Collection method: clinical testing. Allele origin: germline. Affected: yes.
Comment: Not observed at significant frequency in large population cohorts (gnomAD); In silico analysis supports that this missense variant has a deleterious effect on protein structure/function; Has not been previously published as pathogenic or benign to our knowledge